The following is an entry in ClinVar:

NM_022489.4(INF2):c.187G>A (p.Gly63Ser)

Gene: INF2 (inverted formin 2; plus strand). Cytogenetic location: 14q32.33.
Variant type: single nucleotide variant.
Coding change: c.187G>A on transcript NM_022489.4 (MANE Select); coding-DNA position 187, G replaced by A.
Protein change: p.Gly63Ser; replaces glycine 63 with serine.
Molecular consequence: missense variant. On other transcripts: non-coding transcript variant (1).
Genome position (GRCh38, 1-based): chr14:104,701,552, G>A. VCF-style: chr14-104701552-G-A. GRCh37 (hg19) VCF-style: chr14-105167889-G-A.
Other names: c.187G>A, p.Gly63Ser (NM_001031714.4, NM_001426862.1, NM_001426863.1 and 6 more transcripts); short protein forms G63S.
Identifiers: ClinVar variation 3749973 (VCV003749973.2).

ClinVar aggregate classification (germline): Uncertain significance (1 of 4 stars; one submission).

Conditions:
Focal segmental glomerulosclerosis 5 (FSGS5). Identifiers: Orphanet 656, MedGen C2750475, MONDO:0013191, OMIM 613237.
Charcot-Marie-Tooth disease dominant intermediate E. Also called: CHARCOT-MARIE-TOOTH NEUROPATHY WITH FOCAL SEGMENTAL GLOMERULONEPHRITIS. Identifiers: Orphanet 93114, MedGen C4302667, MONDO:0013758, OMIM 614455.

gnomAD v4.1: 4 of 1,608,650 alleles (0.00025%); highest among the groups gnomAD compares: Non-Finnish European, 0.00034%; no homozygotes.

Submission:

Labcorp Genetics (formerly Invitae), Labcorp
Classification: Uncertain significance for Charcot-Marie-Tooth disease dominant intermediate E; Focal segmental glomerulosclerosis 5. Last evaluated: 2024-03-16. Review status: criteria provided, single submitter. Criteria: Invitae Variant Classification Sherloc (09022015). Collection method: clinical testing. Allele origin: germline.
Comment: This sequence change replaces glycine, which is neutral and non-polar, with serine, which is neutral and polar, at codon 63 of the INF2 protein (p.Gly63Ser). This variant is present in population databases (no rsID available, gnomAD 0.001%). This variant has not been reported in the literature in individuals affected with INF2-related conditions. Advanced modeling of protein sequence and biophysical properties (such as structural, functional, and spatial information, amino acid conservation, physicochemical variation, residue mobility, and thermodynamic stability) performed at Invitae indicates that this missense variant is not expected to disrupt INF2 protein function with a negative predictive value of 95%. In summary, the available evidence is currently insufficient to determine the role of this variant in disease. Therefore, it has been classified as a Variant of Uncertain Significance.